The following is an entry in ClinVar:

ClinVar aggregate classification (germline): Uncertain significance (1 of 4 stars; one submission).

gnomAD v4.1: 3 of 1,614,112 alleles (0.00019%); highest among the groups gnomAD compares: East Asian, 0.0022%; no homozygotes.

Submission:

GeneDx
Classification: Uncertain significance. Last evaluated: 2024-09-17. Review status: criteria provided, single submitter. Criteria: GeneDx Variant Classification Process June 2021. Collection method: clinical testing. Allele origin: germline. Affected: yes.
Comment: Not observed at significant frequency in large population cohorts (gnomAD); In silico analysis indicates that this missense variant does not alter protein structure/function; Has not been previously published as pathogenic or benign to our knowledge

NM_000138.5(FBN1):c.4862A>G (p.Lys1621Arg)

Gene: FBN1 (fibrillin 1; minus strand). Cytogenetic location: 15q21.1.
Variant type: single nucleotide variant.
Coding change: c.4862A>G on transcript NM_000138.5 (MANE Select); coding-DNA position 4862, A replaced by G.
Protein change: p.Lys1621Arg; replaces lysine 1621 with arginine.
Molecular consequence: missense variant.
Genome position (GRCh38, 1-based): chr15:48,465,648, T>C on the plus strand (A>G on the coding strand, the complement: FBN1 is on the minus strand). VCF-style: chr15-48465648-T-C. GRCh37 (hg19) VCF-style: chr15-48757845-T-C.
Other names: c.4862A>G, p.Lys1621Arg (NM_001406716.1); short protein forms K1621R.
Identifiers: ClinVar variation 3769758 (VCV003769758.1).